The following is an entry in ClinVar:

ClinVar aggregate classification (germline): Uncertain significance (1 of 4 stars; one submission).

gnomAD v4.1: 16 of 1,613,462 alleles (0.00099%); highest among the groups gnomAD compares: Middle Eastern, 0.016%; no homozygotes.

Submission:

Labcorp Genetics (formerly Invitae), Labcorp
Classification: Uncertain significance. Last evaluated: 2024-08-30. Review status: criteria provided, single submitter. Criteria: Invitae Variant Classification Sherloc (09022015). Collection method: clinical testing. Allele origin: germline.
Comment: This sequence change replaces arginine, which is basic and polar, with glutamine, which is neutral and polar, at codon 525 of the MYLK3 protein (p.Arg525Gln). This variant is present in population databases (rs775706296, gnomAD 0.005%). This variant has not been reported in the literature in individuals affected with MYLK3-related conditions. An algorithm developed to predict the effect of missense changes on protein structure and function (PolyPhen-2) suggests that this variant is likely to be disruptive. In summary, the available evidence is currently insufficient to determine the role of this variant in disease. Therefore, it has been classified as a Variant of Uncertain Significance.

NM_182493.3(MYLK3):c.1574G>A (p.Arg525Gln)

Gene: MYLK3 (myosin light chain kinase 3; minus strand). Cytogenetic location: 16q11.2.
Variant type: single nucleotide variant.
Coding change: c.1574G>A on transcript NM_182493.3 (MANE Select); coding-DNA position 1574, G replaced by A.
Protein change: p.Arg525Gln; replaces arginine 525 with glutamine.
Molecular consequence: missense variant.
Genome position (GRCh38, 1-based): chr16:46,729,682, C>T on the plus strand (G>A on the coding strand, the complement: MYLK3 is on the minus strand). VCF-style: chr16-46729682-C-T. GRCh37 (hg19) VCF-style: chr16-46763594-C-T.
Other names: c.551G>A, p.Arg184Gln (NM_001308301.1); short protein forms R184Q, R525Q.
Identifiers: ClinVar variation 3618818 (VCV003618818.2).